The following is an entry in ClinVar:

ClinVar aggregate classification (germline): Uncertain significance (1 of 4 stars; one submission).

Conditions:
Hereditary cancer-predisposing syndrome. Also called: Neoplastic Syndromes, Hereditary; Tumor predisposition; Hereditary neoplastic syndrome; Hereditary Cancer Syndrome. Identifiers: Orphanet 140162, MedGen C0027672, MeSH D009386, MONDO:0015356.

Submission:

Ambry Genetics
Classification: Uncertain significance for Hereditary cancer-predisposing syndrome. Last evaluated: 2024-05-04. Review status: criteria provided, single submitter. Criteria: Ambry Variant Classification Scheme 2023. Collection method: clinical testing. Allele origin: germline.
Comment: The p.D429E variant (also known as c.1287C>G), located in coding exon 9 of the PTCH1 gene, results from a C to G substitution at nucleotide position 1287. The aspartic acid at codon 429 is replaced by glutamic acid, an amino acid with highly similar properties. This amino acid position is conserved. In addition, the in silico prediction for this alteration is inconclusive. Based on the available evidence, the clinical significance of this variant remains unclear.

NM_000264.5(PTCH1):c.1287C>G (p.Asp429Glu)

Gene: PTCH1 (patched 1; minus strand). Cytogenetic location: 9q22.32.
Variant type: single nucleotide variant.
Coding change: c.1287C>G on transcript NM_000264.5 (MANE Select); coding-DNA position 1287, C replaced by G.
Protein change: p.Asp429Glu; replaces aspartic acid 429 with glutamic acid.
Molecular consequence: missense variant. On other transcripts: non-coding transcript variant (1).
Genome position (GRCh38, 1-based): chr9:95,478,115, G>C on the plus strand (C>G on the coding strand, the complement: PTCH1 is on the minus strand). VCF-style: chr9-95478115-G-C. GRCh37 (hg19) VCF-style: chr9-98240397-G-C.
Other names: c.1089C>G, p.Asp363Glu (NM_001083602.3); c.1284C>G, p.Asp428Glu (NM_001083603.3); c.834C>G, p.Asp278Glu (NM_001083604.3, NM_001083605.3, NM_001083606.3 and 1 more transcripts); c.1287C>G, p.Asp429Glu (NM_001354918.2); short protein forms D278E, D363E, D428E, D429E.
Identifiers: ClinVar variation 3311173 (VCV003311173.1).